The following is an entry in ClinVar:

NM_001365951.3(KIF1B):c.3827C>A (p.Ala1276Glu)

Gene: KIF1B (kinesin family member 1B; plus strand). Cytogenetic location: 1p36.22.
Variant type: single nucleotide variant.
Coding change: c.3827C>A on transcript NM_001365951.3 (MANE Select); coding-DNA position 3827, C replaced by A.
Protein change: p.Ala1276Glu; replaces alanine 1276 with glutamic acid.
Molecular consequence: missense variant.
Genome position (GRCh38, 1-based): chr1:10,347,790, C>A. VCF-style: chr1-10347790-C-A. GRCh37 (hg19) VCF-style: chr1-10407848-C-A.
Other names: c.3827C>A, p.Ala1276Glu (NM_001365952.1); c.3689C>A, p.Ala1230Glu (NM_015074.3); short protein forms A1230E, A1276E.
Identifiers: ClinVar variation 3377777 (VCV003377777.2).

ClinVar aggregate classification (germline): Uncertain significance (1 of 4 stars; one submission).

Conditions:
Neuroblastoma, susceptibility to, 1. Identifiers: MedGen C2749485, MONDO:0009741, OMIM 256700.

gnomAD v4.1: 1 of 1,613,338 alleles (0.000062%); highest among the groups gnomAD compares: Admixed American, 0.0017%; no homozygotes.

Submission:

St. Jude Molecular Pathology, St. Jude Children's Research Hospital
Classification: Uncertain significance for Neuroblastoma, susceptibility to, 1. Last evaluated: 2026-10-01. Review status: criteria provided, single submitter. Criteria: St. Jude Assertion Criteria 2020. Collection method: clinical testing. Allele origin: germline.
Comment: The KIF1B c.3689C>A p.(Ala1230Glu) missense change is absent in gnomAD v2.1.1 (.). The in silico tool REVEL predicts a benign effect on protein function, but to our knowledge this prediction has not been confirmed by functional studies. To our knowledge, this variant has not been reported in individuals with pheoc hromocytoma or neuroblastoma. In summary, the evidence currently available is insufficient to determine the clinical significance of this variant. It has therefore been classified as of uncertain significance.